The following is an entry in ClinVar:

NM_001283009.2(RTEL1):c.2320G>A (p.Val774Ile)

Genes: RTEL1 (regulator of telomere elongation helicase 1; plus strand), RTEL1-TNFRSF6B (RTEL1-TNFRSF6B readthrough (NMD candidate); plus strand). Cytogenetic location: 20q13.33.
Variant type: single nucleotide variant.
Coding change: c.2320G>A on transcript NM_001283009.2 (MANE Select); coding-DNA position 2320, G replaced by A.
Protein change: p.Val774Ile; replaces valine 774 with isoleucine.
Molecular consequence: missense variant. On other transcripts: non-coding transcript variant (1).
Genome position (GRCh38, 1-based): chr20:63,690,348, G>A. VCF-style: chr20-63690348-G-A. GRCh37 (hg19) VCF-style: chr20-62321701-G-A.
Other names: c.1651G>A, p.Val551Ile (NM_001283010.1); c.2320G>A, p.Val774Ile (NM_016434.4); c.2392G>A, p.Val798Ile (NM_032957.5); short protein forms V551I, V774I, V798I.
Identifiers: ClinVar variation 3436006 (VCV003436006.1).
Genomic context (GRCh38, chr20:63,690,348, plus strand): 5'-CTGCAGATGCCAGCGCCGGCCCCCCGGGCTACAGCACCCAGTGTGCGTGGAGAAGATGCT[G>A]TCAGCGAGGCCAAGTCGCCTGGCCCCTTCTTCTCCACCAGGAAAGCTAAGAGTCTGGACC-3'
Protein context (NP_001269938.1, residues 764-784): TAPSVRGEDA[Val774Ile]SEAKSPGPFF

ClinVar aggregate classification (germline): Uncertain significance (1 of 4 stars; one submission).

Conditions:
Inborn genetic diseases. Identifiers: MedGen C0950123, MeSH D030342.

gnomAD v4.1: 1 of 1,611,630 alleles (0.000062%); highest among the groups gnomAD compares: Non-Finnish European, 0.000085%; no homozygotes.

Submission:

Ambry Genetics
Classification: Uncertain significance for Inborn genetic diseases. Last evaluated: 2024-11-30. Review status: criteria provided, single submitter. Criteria: Ambry Variant Classification Scheme 2023. Collection method: clinical testing. Allele origin: germline.
Comment: The p.V774I variant (also known as c.2320G>A), located in coding exon 25 of the RTEL1 gene, results from a G to A substitution at nucleotide position 2320. The valine at codon 774 is replaced by isoleucine, an amino acid with highly similar properties. This amino acid position is conserved. In addition, this alteration is predicted to be tolerated by in silico analysis. Based on the available evidence, the clinical significance of this variant remains unclear.